The following is an entry in ClinVar:

ClinVar aggregate classification (germline): Uncertain significance (1 of 4 stars; one submission).

Conditions:
Oto-palato-digital syndrome, type II (OPD2). Also called: FACIOPALATOOSSEOUS SYNDROME; OPD II SYNDROME; Otopalatodigital Syndrome, Type II; Otopalatodigital Syndrome Type 2 (FLNA-OPD2). Identifiers: Orphanet 669, Orphanet 90652, MedGen C1844696, MONDO:0010571, OMIM 304120.
Heterotopia, periventricular, X-linked dominant (PVNH1). Also called: PERIVENTRICULAR NODULAR HETEROTOPIA 1; X-linked periventricular heterotopia; PERIVENTRICULAR NODULAR HETEROTOPIA 4; HETEROTOPIA, PERIVENTRICULAR, 1. Identifiers: Orphanet 2149, Orphanet 82004, MedGen C1848213, MONDO:0010233, OMIM 300049.
Frontometaphyseal dysplasia (FMD1). Identifiers: Orphanet 1826, MedGen C0265293, MONDO:0015942.
Melnick-Needles syndrome (MNS). Also called: MELNICK-NEEDLES OSTEODYSPLASTY; OSTEODYSPLASTY OF MELNICK AND NEEDLES; Melnick-Needles Syndrome (FLNA-MNS). Identifiers: Orphanet 2484, MedGen C0025237, MONDO:0010650, OMIM 309350.

Submission:

Labcorp Genetics (formerly Invitae), Labcorp
Classification: Uncertain significance for Oto-palato-digital syndrome, type II; Heterotopia, periventricular, X-linked dominant; Frontometaphyseal dysplasia; Melnick-Needles syndrome. Last evaluated: 2022-11-23. Review status: criteria provided, single submitter. Criteria: Invitae Variant Classification Sherloc (09022015). Collection method: clinical testing. Allele origin: germline.
Comment: This variant is not present in population databases (gnomAD no frequency). This variant has not been reported in the literature in individuals affected with FLNA-related conditions. Advanced modeling of protein sequence and biophysical properties (such as structural, functional, and spatial information, amino acid conservation, physicochemical variation, residue mobility, and thermodynamic stability) has been performed at Invitae for this missense variant, however the output from this modeling did not meet the statistical confidence thresholds required to predict the impact of this variant on FLNA protein function. In summary, the available evidence is currently insufficient to determine the role of this variant in disease. Therefore, it has been classified as a Variant of Uncertain Significance. This sequence change replaces glycine, which is neutral and non-polar, with valine, which is neutral and non-polar, at codon 558 of the FLNA protein (p.Gly558Val).

NM_001110556.2(FLNA):c.1673G>T (p.Gly558Val)

Gene: FLNA (filamin A; minus strand). Cytogenetic location: Xq28.
Variant type: single nucleotide variant.
Coding change: c.1673G>T on transcript NM_001110556.2 (MANE Select); coding-DNA position 1673, G replaced by T.
Protein change: p.Gly558Val; replaces glycine 558 with valine.
Molecular consequence: missense variant.
Genome position (GRCh38, 1-based): chrX:154,365,154, C>A on the plus strand (G>T on the coding strand, the complement: FLNA is on the minus strand). VCF-style: chrX-154365154-C-A. GRCh37 (hg19) VCF-style: chrX-153593522-C-A.
Other names: c.1673G>T, p.Gly558Val (NM_001456.4); short protein forms G558V.
Identifiers: ClinVar variation 2941760 (VCV002941760.3), dbSNP rs2522756787, ClinGen allele CA415243058.